The following is an entry in ClinVar:

NM_000492.4(CFTR):c.1392+1498G>A

Genes: CFTR (CF transmembrane conductance regulator; plus strand), CFTR-AS1 (CFTR antisense RNA 1; minus strand). Cytogenetic location: 7q31.2.
Variant type: single nucleotide variant.
Coding change: c.1392+1498G>A on transcript NM_000492.4 (MANE Select); 1498 bases into the intron after coding-DNA position 1392, G replaced by A.
Molecular consequence: intron variant.
Genome position (GRCh38, 1-based): chr7:117,550,321, G>A. VCF-style: chr7-117550321-G-A. GRCh37 (hg19) VCF-style: chr7-117190375-G-A.
Identifiers: ClinVar variation 1704389 (VCV001704389.1), dbSNP rs2485049075, ClinGen allele CA1106287450.

ClinVar aggregate classification (germline): Uncertain significance (1 of 4 stars; one submission).

Conditions:
Cystic fibrosis (CF). Also called: MUCOVISCIDOSIS. Identifiers: Orphanet 586, MedGen C0010674, MONDO:0009061, OMIM 219700. Disease mechanism: loss of function.

Submission:

Johns Hopkins Genomics, Johns Hopkins University
Classification: Uncertain significance for Cystic fibrosis. Last evaluated: 2022-09-06. Review status: criteria provided, single submitter. Criteria: ACMG Guidelines, 2015. Collection method: clinical testing. Allele origin: germline.
Comment: This CFTR variant is absent from a large population dataset and has not been reported in ClinVar nor the literature, to our knowledge. Three bioinformatic tools predict that this deep intronic variant may introduce a cryptic donor site although this has not been confirmed experimentally to our knowledge. Due to insufficient evidence that this variant is deleterious, we consider the clinical significance of CFTR c.1392+1498G>A to be uncertain at this time.